The following is an entry in ClinVar:

NM_000138.5(FBN1):c.1335dup (p.Pro446fs)

Gene: FBN1 (fibrillin 1; minus strand). Cytogenetic location: 15q21.1.
Variant type: Duplication.
Coding change: c.1335dup on transcript NM_000138.5 (MANE Select); coding-DNA position 1335, one base duplicated (G; older notation c.1335dupG).
Protein change: p.Pro446fs; shifts the reading frame from proline 446.
Molecular consequence: frameshift variant (on NM_000138.4).
Genome position (GRCh38, 1-based): chr15:48,515,520, C duplicated on the plus strand (G on the coding strand, the reverse complement: FBN1 is on the minus strand). VCF-style (leftmost placement, unchanged base first): chr15-48515519-G-GC. GRCh37 (hg19) VCF-style: chr15-48807716-G-GC.
Other names: NM_000138.4:c.1335dupG; p.Pro446AlafsX6; c.1335_1336insG (NM_000138.4); short protein forms P446fs.
Identifiers: ClinVar variation 179300 (VCV000179300.4), dbSNP rs730880356, ClinGen allele CA012078.

ClinVar aggregate classification (germline): Pathogenic (1 of 4 stars; one submission).

Conditions:
Marfan syndrome (MFS). Also called: Marfan syndrome, classic; FBN1-Related Marfan Syndrome; Marfan syndrome type 1; Marfan's syndrome; MARFAN SYNDROME, TYPE I. Identifiers: Orphanet 284963, Orphanet 558, MedGen C0024796, MONDO:0007947, OMIM 154700.

Submission:

Laboratory for Molecular Medicine, Mass General Brigham Personalized Medicine
Classification: Pathogenic for Marfan syndrome. Last evaluated: 2013-09-17. Review status: criteria provided, single submitter. Criteria: LMM Criteria. Collection method: clinical testing. Allele origin: germline. Inheritance: Autosomal dominant inheritance. Observed: 1 variant allele.
Comment: The Pro446fs variant in FBN1 has not been reported in individuals with clinical features of Marfan syndrome or in large population studies. This frameshift vari ant is predicted to alter the protein?s amino acid sequence beginning at positio n 446 and lead to a premature termination codon 6 amino acids downstream. This a lteration is then predicted to lead to a truncated or absent protein. Heterozygo us loss of function of function of the FBN1 gene is an established disease mecha nism in Marfan syndrome. In summary, this variant meets our criteria to be class ified as pathogenic.